The following is an entry in ClinVar:

ClinVar aggregate classification (germline): Uncertain significance (1 of 4 stars; one submission).

Submission:

GeneDx
Classification: Uncertain significance. Last evaluated: 2026-08-01. Review status: criteria provided, single submitter. Criteria: GeneDx Variant Classification Process June 2021. Collection method: clinical testing. Allele origin: germline.
Comment: Not observed at significant frequency in large population cohorts (gnomAD); In-frame deletion of 3 amino acids and insertion of 1 different amino acid in a non-repeat region; In silico analysis supports a deleterious effect on protein structure/function; Has not been previously published as pathogenic or benign to our knowledge

NM_003998.4(NFKB1):c.1330_1337delinsTT (p.Pro444_Gly446delinsPhe)

Gene: NFKB1 (nuclear factor kappa B subunit 1; plus strand). Cytogenetic location: 4q24.
Variant type: Indel.
Coding change: c.1330_1337delinsTT on transcript NM_003998.4 (MANE Select); coding-DNA positions 1330 to 1337, CCTGAAGG replaced by TT.
Protein change: p.Pro444_Gly446delinsPhe.
Molecular consequence: inframe indel.
Genome position (GRCh38, 1-based): chr4:102,596,167-102,596,174, CCTGAAGG replaced by TT. VCF-style: chr4-102596167-CCTGAAGG-TT. GRCh37 (hg19) VCF-style: chr4-103517324-CCTGAAGG-TT.
Other names: c.1327_1334delinsTT, p.Pro443_Gly445delinsPhe (NM_001165412.2, NM_001319226.2, NM_001382627.1); c.1330_1337delinsTT, p.Pro444_Gly446delinsPhe (NM_001382625.1, NM_001382626.1); c.1288_1295delinsTT, p.Pro430_Gly432delinsPhe (NM_001382628.1).
Identifiers: ClinVar variation 1710705 (VCV001710705.3), dbSNP rs2476496818, ClinGen allele CA2580071264.